The following is an entry in ClinVar:

NM_173546.3(KLHDC8B):c.455G>A (p.Arg152Gln)

Gene: KLHDC8B (kelch domain containing 8B; plus strand). Cytogenetic location: 3p21.31.
Variant type: single nucleotide variant.
Coding change: c.455G>A on transcript NM_173546.3 (MANE Select); coding-DNA position 455, G replaced by A.
Protein change: p.Arg152Gln; replaces arginine 152 with glutamine.
Molecular consequence: missense variant.
Genome position (GRCh38, 1-based): chr3:49,174,317, G>A. VCF-style: chr3-49174317-G-A. GRCh37 (hg19) VCF-style: chr3-49211750-G-A.
Other names: short protein forms R152Q.
Identifiers: ClinVar variation 3657807 (VCV003657807.2).

ClinVar aggregate classification (germline): Uncertain significance (1 of 4 stars; one submission).

gnomAD v4.1: 17 of 1,613,808 alleles (0.0011%); highest among the groups gnomAD compares: East Asian, 0.0045%; no homozygotes.

Submission:

Labcorp Genetics (formerly Invitae), Labcorp
Classification: Uncertain significance. Last evaluated: 2024-08-28. Review status: criteria provided, single submitter. Criteria: Invitae Variant Classification Sherloc (09022015). Collection method: clinical testing. Allele origin: germline.
Comment: This sequence change replaces arginine, which is basic and polar, with glutamine, which is neutral and polar, at codon 152 of the KLHDC8B protein (p.Arg152Gln). This variant is present in population databases (rs772682986, gnomAD 0.006%). This variant has not been reported in the literature in individuals affected with KLHDC8B-related conditions. An algorithm developed to predict the effect of missense changes on protein structure and function outputs the following: PolyPhen-2: "Benign". The glutamine amino acid residue is found in multiple mammalian species, which suggests that this missense change does not adversely affect protein function. In summary, the available evidence is currently insufficient to determine the role of this variant in disease. Therefore, it has been classified as a Variant of Uncertain Significance.